The following is an entry in ClinVar:

ClinVar aggregate classification (germline): Uncertain significance. Review status: criteria provided, multiple submitters, no conflicts (2 of 4 stars). 3 submissions from 3 submitters: Uncertain significance (3). Last evaluated 2024-09-10.

Conditions:
Inborn genetic diseases. Identifiers: MedGen C0950123, MeSH D030342.

Allele frequency attached by ClinVar (database versions not stated): TOPMed below 0.00001; gnomAD 0.00001; gnomAD exomes 0.00001.
gnomAD v4.1: 23 of 1,613,716 alleles (0.0014%); highest among the groups gnomAD compares: South Asian, 0.0077%; no homozygotes.

Submissions (3):

Labcorp Genetics (formerly Invitae), Labcorp
Classification: Uncertain significance. Last evaluated: 2024-09-10. Review status: criteria provided, single submitter. Criteria: Invitae Variant Classification Sherloc (09022015). Collection method: clinical testing. Allele origin: germline.
Comment: This sequence change replaces arginine, which is basic and polar, with histidine, which is basic and polar, at codon 109 of the DCHS1 protein (p.Arg109His). This variant is present in population databases (no rsID available, gnomAD 0.006%). This variant has not been reported in the literature in individuals affected with DCHS1-related conditions. ClinVar contains an entry for this variant (Variation ID: 2517970). Invitae Evidence Modeling of protein sequence and biophysical properties (such as structural, functional, and spatial information, amino acid conservation, physicochemical variation, residue mobility, and thermodynamic stability) has been performed for this missense variant. However, the output from this modeling did not meet the statistical confidence thresholds required to predict the impact of this variant on DCHS1 protein function. In summary, the available evidence is currently insufficient to determine the role of this variant in disease. Therefore, it has been classified as a Variant of Uncertain Significance.

GeneDx
Classification: Uncertain significance. Last evaluated: 2024-01-22. Review status: criteria provided, single submitter. Criteria: GeneDx Variant Classification Process June 2021. Collection method: clinical testing. Allele origin: germline. Affected: yes.
Comment: In silico analysis supports that this missense variant has a deleterious effect on protein structure/function; Has not been previously published as pathogenic or benign to our knowledge

Ambry Genetics
Classification: Uncertain significance for Inborn genetic diseases. Last evaluated: 2023-05-17. Review status: criteria provided, single submitter. Criteria: Ambry Variant Classification Scheme 2023. Collection method: clinical testing. Allele origin: germline.

NM_003737.4(DCHS1):c.326G>A (p.Arg109His)

Gene: DCHS1 (dachsous cadherin-related 1; minus strand). Cytogenetic location: 11p15.4.
Variant type: single nucleotide variant.
Coding change: c.326G>A on transcript NM_003737.4 (MANE Select); coding-DNA position 326, G replaced by A.
Protein change: p.Arg109His; replaces arginine 109 with histidine.
Molecular consequence: missense variant.
Genome position (GRCh38, 1-based): chr11:6,641,288, C>T on the plus strand (G>A on the coding strand, the complement: DCHS1 is on the minus strand). VCF-style: chr11-6641288-C-T. GRCh37 (hg19) VCF-style: chr11-6662519-C-T.
Other names: c.326G>A (NM_003737.3); short protein forms R109H.
Identifiers: ClinVar variation 2517970 (VCV002517970.6), dbSNP rs942751177, ClinGen allele CA217303592.